The following is an entry in ClinVar:

ClinVar aggregate classification (germline): Uncertain significance. Review status: criteria provided, multiple submitters, no conflicts (2 of 4 stars). 2 submissions from 2 submitters: Uncertain significance (2). Last evaluated 2023-05-12.

Conditions:
MTOR-related disorder. Also called: MTOR-related condition.

Submissions (2):

PreventionGenetics, part of Exact Sciences
Classification: Uncertain significance for MTOR-related condition. Last evaluated: 2023-05-12. Review status: criteria provided, single submitter. Criteria: ACMG Guidelines, 2015. Collection method: clinical testing. Allele origin: germline.
Comment: The MTOR c.707A>G variant is predicted to result in the amino acid substitution p.His236Arg. To our knowledge, this variant has not been reported in the literature or in a large population database, indicating this variant is rare. At this time, the clinical significance of this variant is uncertain due to the absence of conclusive functional and genetic evidence.

Labcorp Genetics (formerly Invitae), Labcorp
Classification: Uncertain significance. Last evaluated: 2021-02-18. Review status: criteria provided, single submitter. Criteria: Invitae Variant Classification Sherloc (09022015). Collection method: clinical testing. Allele origin: germline.
Comment: In summary, the available evidence is currently insufficient to determine the role of this variant in disease. Therefore, it has been classified as a Variant of Uncertain Significance. Algorithms developed to predict the effect of missense changes on protein structure and function (SIFT, PolyPhen-2, Align-GVGD) all suggest that this variant is likely to be tolerated, but these predictions have not been confirmed by published functional studies and their clinical significance is uncertain. This variant has not been reported in the literature in individuals with MTOR-related conditions. This variant is not present in population databases (ExAC no frequency). This sequence change replaces histidine with arginine at codon 236 of the MTOR protein (p.His236Arg). The histidine residue is weakly conserved and there is a small physicochemical difference between histidine and arginine.

NM_004958.4(MTOR):c.707A>G (p.His236Arg)

Gene: MTOR (mechanistic target of rapamycin kinase; minus strand). Cytogenetic location: 1p36.22.
Variant type: single nucleotide variant.
Coding change: c.707A>G on transcript NM_004958.4 (MANE Select); coding-DNA position 707, A replaced by G.
Protein change: p.His236Arg; replaces histidine 236 with arginine.
Molecular consequence: missense variant. On other transcripts: 5 prime UTR variant (1).
Genome position (GRCh38, 1-based): chr1:11,253,972, T>C on the plus strand (A>G on the coding strand, the complement: MTOR is on the minus strand). VCF-style: chr1-11253972-T-C. GRCh37 (hg19) VCF-style: chr1-11314029-T-C.
Other names: c.707A>G (NM_004958.3); c.707A>G, p.His236Arg (NM_001386500.1); c.-433A>G (NM_001386501.1); short protein forms H236R.
Identifiers: ClinVar variation 1520909 (VCV001520909.8), dbSNP rs2100966863, ClinGen allele CA338401766.